The following is an entry in ClinVar:

ClinVar aggregate classification (germline): Uncertain significance (1 of 4 stars; one submission).

Submission:

Labcorp Genetics (formerly Invitae), Labcorp
Classification: Uncertain significance. Last evaluated: 2022-08-01. Review status: criteria provided, single submitter. Criteria: Invitae Variant Classification Sherloc (09022015). Collection method: clinical testing. Allele origin: germline.
Comment: In summary, the available evidence is currently insufficient to determine the role of this variant in disease. Therefore, it has been classified as a Variant of Uncertain Significance. Algorithms developed to predict the effect of missense changes on protein structure and function are either unavailable or do not agree on the potential impact of this missense change (SIFT: "Deleterious"; PolyPhen-2: "Probably Damaging"; Align-GVGD: "Class C0"). This variant has not been reported in the literature in individuals affected with CEP78-related conditions. This variant is not present in population databases (gnomAD no frequency). This sequence change replaces aspartic acid, which is acidic and polar, with tyrosine, which is neutral and polar, at codon 250 of the CEP78 protein (p.Asp250Tyr).

NM_001330691.3(CEP78):c.748G>T (p.Asp250Tyr)

Gene: CEP78 (centrosomal protein 78; plus strand). Cytogenetic location: 9q21.2.
Variant type: single nucleotide variant.
Coding change: c.748G>T on transcript NM_001330691.3 (MANE Select); coding-DNA position 748, G replaced by T.
Protein change: p.Asp250Tyr; replaces aspartic acid 250 with tyrosine.
Molecular consequence: missense variant.
Genome position (GRCh38, 1-based): chr9:78,243,606, G>T. VCF-style: chr9-78243606-G-T. GRCh37 (hg19) VCF-style: chr9-80858522-G-T.
Other names: c.748G>T, p.Asp250Tyr (NM_001098802.3, NM_001330693.3, NM_001330694.2 and 4 more transcripts); short protein forms D250Y.
Identifiers: ClinVar variation 1901570 (VCV001901570.5), dbSNP rs766852524, ClinGen allele CA374000692.
Genomic context (GRCh38, chr9:78,243,606, plus strand): 5'-AGACGTATCACACTGAATTGCAACACACTTATTGGTGACCTAGGTGCATGTGCTTTTGCA[G>T]ACTCTCTCAGTGAGGATTTATGGCTGAGAGGTAAGTTAAATGAACTTGTAAGGTGGAAAA-3'
Protein context (NP_001317620.1, residues 240-260): IGDLGACAFA[Asp250Tyr]SLSEDLWLRA